The following is an entry in ClinVar:

ClinVar aggregate classification (germline): Conflicting classifications of pathogenicity. Review status: criteria provided, conflicting classifications (1 of 4 stars). 11 submissions from 11 submitters: Uncertain significance (8); Likely benign (1). 2 of the submissions do not count toward it. Last evaluated 2025-07-14.

Conditions:
Hereditary cancer-predisposing syndrome. Also called: Neoplastic Syndromes, Hereditary; Hereditary Cancer Syndrome; Tumor predisposition; Hereditary neoplastic syndrome. Identifiers: Orphanet 140162, MedGen C0027672, MeSH D009386, MONDO:0015356.
Breast-ovarian cancer, familial, susceptibility to, 2 (BROVCA2). Also called: BRCA2 Hereditary Breast and Ovarian Cancer. Identifiers: Orphanet 145, MedGen C2675520, MONDO:0012933, OMIM 612555. Disease mechanism: loss of function.
Familial cancer of breast. Also called: BREAST CANCER, FAMILIAL; hereditary breast carcinoma; Hereditary breast cancer. Identifiers: Orphanet 227535, MedGen C0346153, MONDO:0016419, OMIM 114480. Disease mechanism: loss of function.
Ataxia-telangiectasia syndrome (AT). Also called: Ataxia-telangiectasia, complementation group D; AT, COMPLEMENTATION GROUP C; Ataxia-telangiectasia; ATAXIA-TELANGIECTASIA, COMPLEMENTATION GROUP A; ATAXIA-TELANGIECTASIA, FRESNO VARIANT; Ataxia-telangiectasia, complementation group E. Identifiers: Orphanet 100, MedGen C0004135, MONDO:0008840, OMIM 208900.

Allele frequency attached by ClinVar (database versions not stated): ExAC 0.00001; gnomAD exomes below 0.00001.
gnomAD v4.1: 11 of 1,612,618 alleles (0.00068%); highest among the groups gnomAD compares: South Asian, 0.0033%; no homozygotes.

Submissions (11):

Dipartimento Di Medicina Di Precisione, Università Degli Studi Della Campania Luigi Vanvitelli
Classification: Likely benign for Breast-ovarian cancer, familial, susceptibility to, 2. Last evaluated: 2025-07-14. Review status: criteria provided, single submitter. Criteria: ACMG Guidelines, 2015. Collection method: clinical testing. Allele origin: germline. Affected: yes. Observed: 1 heterozygote.
Comment: The ATM:c.6293T>C (p.Leu2098Pro) variant is a missense substitution affecting a moderately conserved residue of the ATM protein. Computational predictions indicate a benign or neutral impact on protein function.

Ambry Genetics
Classification: Uncertain significance for Hereditary cancer-predisposing syndrome. Last evaluated: 2025-07-02. Review status: criteria provided, single submitter. Criteria: Ambry Variant Classification Scheme 2023. Collection method: clinical testing. Allele origin: germline.
Comment: The p.L2098P variant (also known as c.6293T>C), located in coding exon 42 of the ATM gene, results from a T to C substitution at nucleotide position 6293. The leucine at codon 2098 is replaced by proline, an amino acid with similar properties. In a multi-gene panel study of patients with bilateral breast cancer, this variant was observed in 1/139 cases (Fanale D et al. Cancers (Basel), 2020 Aug;12:). In another study, this alteration was reported in at least one subject in a study of 13087 breast cancer cases and 5488 control individuals in the UK (Decker B et al. J Med Genet, 2017 11;54:732-741). This amino acid position is well conserved in available vertebrate species. In addition, this alteration is predicted to be deleterious by in silico analysis. Based on the available evidence, the clinical significance of this variant remains unclear.

Center for Genomic Medicine, Rigshospitalet, Copenhagen University Hospital
Classification: Uncertain significance. Last evaluated: 2025-03-04. Review status: criteria provided, single submitter. Criteria: ACMG Guidelines, 2015. Collection method: clinical testing. Allele origin: germline.

CeGaT Center for Human Genetics Tuebingen
Classification: Uncertain significance. Last evaluated: 2025-02-01. Review status: criteria provided, single submitter. Criteria: CeGaT Center For Human Genetics Tuebingen Variant Classification Criteria Version 2. Collection method: clinical testing. Allele origin: germline. Affected: yes. Observed: 2 variant alleles.

Labcorp Genetics (formerly Invitae), Labcorp
Classification: Uncertain significance for Ataxia-telangiectasia syndrome. Last evaluated: 2025-01-28. Review status: criteria provided, single submitter. Criteria: Invitae Variant Classification Sherloc (09022015). Collection method: clinical testing. Allele origin: germline.
Comment: This sequence change replaces leucine, which is neutral and non-polar, with proline, which is neutral and non-polar, at codon 2098 of the ATM protein (p.Leu2098Pro). This variant is present in population databases (rs587780631, gnomAD 0.0009%). This missense change has been observed in individual(s) with breast cancer (PMID: 28779002, 32854451). ClinVar contains an entry for this variant (Variation ID: 135766). Invitae Evidence Modeling of protein sequence and biophysical properties (such as structural, functional, and spatial information, amino acid conservation, physicochemical variation, residue mobility, and thermodynamic stability) has been performed for this missense variant. However, the output from this modeling did not meet the statistical confidence thresholds required to predict the impact of this variant on ATM protein function. In summary, the available evidence is currently insufficient to determine the role of this variant in disease. Therefore, it has been classified as a Variant of Uncertain Significance.

Color Diagnostics, LLC DBA Color Health
Classification: Uncertain significance for Hereditary cancer-predisposing syndrome. Last evaluated: 2024-11-26. Review status: criteria provided, single submitter. Criteria: ACMG Guidelines, 2015. Collection method: clinical testing. Allele origin: germline.
Comment: This missense variant replaces leucine with proline at codon 2098 of the ATM protein. Computational prediction suggests that this variant may have deleterious impact on protein structure and function. To our knowledge, functional studies have not been reported for this variant. This variant has been reported in an individual affected with bilateral breast cancer (PMID: 32854451), an individual affected with breast cancer and/or ovarian cancer (PMID: 34299313), and individuals unaffected with breast cancer in two case-control studies (PMID: 28779002, 33471991). This variant has been identified in 1/251414 chromosomes in the general population by the Genome Aggregation Database (gnomAD). The available evidence is insufficient to determine the role of this variant in disease conclusively. Therefore, this variant is classified as a Variant of Uncertain Significance.

Quest Diagnostics Nichols Institute San Juan Capistrano
Classification: Uncertain significance. Last evaluated: 2023-11-17. Review status: criteria provided, single submitter. Criteria: Quest Diagnostics criteria. Collection method: clinical testing. Allele origin: unknown.

Baylor Genetics
Classification: Uncertain significance for Familial cancer of breast. Last evaluated: 2023-06-22. Review status: criteria provided, single submitter. Criteria: ACMG Guidelines, 2015. Collection method: clinical testing. Allele origin: unknown.

GeneDx
Classification: Uncertain significance. Last evaluated: 2023-03-07. Review status: criteria provided, single submitter. Criteria: GeneDx Variant Classification Process June 2021. Collection method: clinical testing. Allele origin: germline. Affected: yes.
Comment: Not observed at significant frequency in large population cohorts (gnomAD); In silico analysis supports that this missense variant has a deleterious effect on protein structure/function; Observed in an individual with bilateral breast cancer, as well as unaffected controls (Decker et al., 2017; Tiao et al., 2017; Fanale et al., 2020); This variant is associated with the following publications: (PMID: 28779002, 28652578, 32854451, 23532176)

Natera, Inc.
Classification: Uncertain significance for Ataxia-telangiectasia. Last evaluated: 2021-02-03. Review status: no assertion criteria provided. Collection method: clinical testing. Allele origin: germline. Not counted in ClinVar's aggregate classification.

Counsyl
Classification: Uncertain significance for Ataxia-telangiectasia syndrome. Last evaluated: 2017-11-09. Review status: no assertion criteria provided. Collection method: clinical testing. Allele origin: unknown. Not counted in ClinVar's aggregate classification.

Literature cited by the submitters: DOI 10.3390/ijms26135928 (cited by Dipartimento Di Medicina Di Precisione, Università Degli Studi Della Campania Luigi Vanvitelli); PubMed 28779002 (cited by 4 submitters); PubMed 32854451 (cited by 5 submitters); PubMed 33471991 (cited by Color Diagnostics, LLC DBA Color Health and Quest Diagnostics Nichols Institute San Juan Capistrano); PubMed 34299313 (cited by Color Diagnostics, LLC DBA Color Health).

NM_000051.4(ATM):c.6293T>C (p.Leu2098Pro)

Genes: ATM (ATM serine/threonine kinase; plus strand), C11orf65 (chromosome 11 open reading frame 65; minus strand). Cytogenetic location: 11q22.3.
Variant type: single nucleotide variant.
Coding change: c.6293T>C on transcript NM_000051.4 (MANE Select); coding-DNA position 6293, T replaced by C.
Protein change: p.Leu2098Pro; replaces leucine 2098 with proline.
Molecular consequence: missense variant. On other transcripts: intron variant (2).
Genome position (GRCh38, 1-based): chr11:108,317,467, T>C. VCF-style: chr11-108317467-T-C. GRCh37 (hg19) VCF-style: chr11-108188194-T-C.
Other names: c.6293T>C, p.Leu2098Pro (NM_001351834.2); c.641-8396A>G (NM_001330368.2); c.*39-8396A>G (NM_001351110.2); short protein forms L2098P.
Identifiers: ClinVar variation 135766 (VCV000135766.53), dbSNP rs587780631, ClinGen allele CA192478.